The following is an entry in ClinVar:

NM_006005.3(WFS1):c.1008C>G (p.Leu336=)

Gene: WFS1 (wolframin ER transmembrane glycoprotein; plus strand). Cytogenetic location: 4p16.1.
Variant type: single nucleotide variant.
Coding change: c.1008C>G on transcript NM_006005.3 (MANE Select); coding-DNA position 1008, C replaced by G.
Protein change: p.Leu336=; no amino-acid change (leucine 336 retained).
Molecular consequence: synonymous variant.
Genome position (GRCh38, 1-based): chr4:6,300,803, C>G. VCF-style: chr4-6300803-C-G. GRCh37 (hg19) VCF-style: chr4-6302530-C-G.
Other names: c.1008C>G, p.Leu336= (NM_001145853.1).
Identifiers: ClinVar variation 1573447 (VCV001573447.12), dbSNP rs755063164, ClinGen allele CA2839190.

ClinVar aggregate classification (germline): Likely benign. Review status: criteria provided, multiple submitters, no conflicts (2 of 4 stars). 4 submissions from 4 submitters: Likely benign (3). 1 of the submissions does not count toward it. Last evaluated 2024-11-14.

Conditions:
WFS1-related disorder. Identifiers: MedGen CN379391, MONDO:0700293.
Cataract 41 (CTRCT41). Also called: CATARACT 41, CONGENITAL NUCLEAR TYPE. Identifiers: Orphanet 91492, Orphanet 98991, Orphanet 98992, Orphanet 98995, MedGen C3805412, MONDO:0007287, OMIM 116400.
Wolfram-like syndrome. Also called: HEARING LOSS, PROGRESSIVE, WITH OPTIC ATROPHY AND/OR IMPAIRED GLUCOSE REGULATION. Identifiers: Orphanet 411590, MedGen C3280358, MONDO:0013673, OMIM 614296.
Wolfram syndrome 1 (WFS1). Identifiers: Orphanet 3463, MedGen C4551693, MONDO:0009101, OMIM 222300.
Autosomal dominant nonsyndromic hearing loss 6 (LFSNHL). Also called: Autosomal dominant nonsyndromic deafness 6; DEAFNESS, AUTOSOMAL DOMINANT 6; DEAFNESS, AUTOSOMAL DOMINANT 14; DEAFNESS, AUTOSOMAL DOMINANT 38. Identifiers: Orphanet 90635, MedGen C1833021, MONDO:0010963, OMIM 600965.
Type 2 diabetes mellitus. Also called: Type II diabetes mellitus. Identifiers: MedGen C0011860, MeSH D003924, MONDO:0005148, OMIM 125853, HP:0005978.

Allele frequency attached by ClinVar (database versions not stated): gnomAD exomes 0.00001; ExAC 0.00002; gnomAD 0.00003.
gnomAD v4.1: 9 of 1,613,958 alleles (0.00056%); highest among the groups gnomAD compares: African/African-American, 0.0013%; no homozygotes.

Submissions (4):

Labcorp Genetics (formerly Invitae), Labcorp
Classification: Likely benign. Last evaluated: 2024-11-14. Review status: criteria provided, single submitter. Criteria: Invitae Variant Classification Sherloc (09022015). Collection method: clinical testing. Allele origin: germline.

Fulgent Genetics
Classification: Likely benign for Cataract 41; Type 2 diabetes mellitus; Wolfram syndrome 1; Autosomal dominant nonsyndromic hearing loss 6; Wolfram-like syndrome. Last evaluated: 2021-08-12. Review status: criteria provided, single submitter. Criteria: ACMG Guidelines, 2015. Collection method: clinical testing. Allele origin: unknown.

Blueprint Genetics
Classification: Likely benign. Last evaluated: 2019-11-26. Review status: criteria provided, single submitter. Criteria: ACMG Guidelines, 2015. Collection method: clinical testing. Allele origin: germline.

PreventionGenetics, part of Exact Sciences
Classification: Likely benign for WFS1-related condition. Last evaluated: 2021-03-23. Review status: no assertion criteria provided. Collection method: clinical testing. Allele origin: germline. Not counted in ClinVar's aggregate classification.
Comment: This variant is classified as likely benign based on ACMG/AMP sequence variant interpretation guidelines (Richards et al. 2015 PMID: 25741868, with internal and published modifications).